The following is an entry in ClinVar:

NM_001813.3(CENPE):c.2706G>A (p.Thr902=)

Gene: CENPE (centromere protein E; minus strand). Cytogenetic location: 4q24.
Variant type: single nucleotide variant.
Coding change: c.2706G>A on transcript NM_001813.3 (MANE Select); coding-DNA position 2706, G replaced by A.
Protein change: p.Thr902=; no amino-acid change (threonine 902 retained).
Molecular consequence: synonymous variant.
Genome position (GRCh38, 1-based): chr4:103,158,782, C>T on the plus strand (G>A on the coding strand, the complement: CENPE is on the minus strand). VCF-style: chr4-103158782-C-T. GRCh37 (hg19) VCF-style: chr4-104079939-C-T.
Other names: c.2631G>A, p.Thr877= (NM_001286734.2).
Identifiers: ClinVar variation 799138 (VCV000799138.27), dbSNP rs141000785, ClinGen allele CA3030227.

ClinVar aggregate classification (germline): Likely benign. Review status: criteria provided, multiple submitters, no conflicts (2 of 4 stars). 2 submissions from 2 submitters: Likely benign (2). Last evaluated 2023-01-01.

Allele frequency attached by ClinVar (database versions not stated): gnomAD 0.00005 and 0.00009; gnomAD exomes 0.00012 and 0.00007; TOPMed 0.00013; ESP Exome Variant Server 0.00015; 1000 Genomes Project 30x 0.00016; 1000 Genomes Project 0.00020; ExAC 0.00010.
gnomAD v4.1: 186 of 1,613,044 alleles (0.012%); highest among the groups gnomAD compares: Non-Finnish European, 0.014%; no homozygotes.

Submissions (2):

CeGaT Center for Human Genetics Tuebingen
Classification: Likely benign. Last evaluated: 2023-01-01. Review status: criteria provided, single submitter. Criteria: CeGaT Center For Human Genetics Tuebingen Variant Classification Criteria Version 2. Collection method: clinical testing. Allele origin: germline. Affected: yes. Observed: 1 variant allele.
Comment: CENPE: BP4, BP7

Labcorp Genetics (formerly Invitae), Labcorp
Classification: Likely benign. Last evaluated: 2019-01-01. Review status: criteria provided, single submitter. Criteria: Invitae Variant Classification Sherloc (09022015). Collection method: clinical testing. Allele origin: germline.